The following is an entry in ClinVar:

NM_003900.5(SQSTM1):c.805A>T (p.Thr269Ser)

Gene: SQSTM1 (sequestosome 1; plus strand). Cytogenetic location: 5q35.3.
Variant type: single nucleotide variant.
Coding change: c.805A>T on transcript NM_003900.5 (MANE Select); coding-DNA position 805, A replaced by T.
Protein change: p.Thr269Ser; replaces threonine 269 with serine.
Molecular consequence: missense variant.
Genome position (GRCh38, 1-based): chr5:179,833,082, A>T. VCF-style: chr5-179833082-A-T. GRCh37 (hg19) VCF-style: chr5-179260082-A-T.
Other names: c.553A>T, p.Thr185Ser (NM_001142298.2, NM_001142299.2); short protein forms T269S, T185S.
Identifiers: ClinVar variation 1349407 (VCV001349407.6), dbSNP rs745853858, ClinGen allele CA362451066.
Genomic context (GRCh38, chr5:179,833,082, plus strand): 5'-CCGCCTCTAGGCATTGAAGTTGATATCGATGTGGAGCACGGAGGGAAAAGAAGCCGCCTG[A>T]CCCCCGTCTCTCCAGAGAGTTCCAGCACAGAGGAGAAGAGCAGCTCACAGCCAAGCAGCT-3'
Protein context (NP_003891.1, residues 259-279): VEHGGKRSRL[Thr269Ser]PVSPESSSTE

ClinVar aggregate classification (germline): Uncertain significance (1 of 4 stars; one submission).

Conditions:
Paget disease of bone 2, early-onset (PDB2). Also called: Paget disease of bone 2. Identifiers: MedGen C4085251, MONDO:0011183, OMIM 602080.
Frontotemporal dementia and/or amyotrophic lateral sclerosis 1 (FTDALS1). Also called: Frontotemporal dementia with motor neuron disease 1; C9orf72 Frontotemporal Dementia and/or Amyotrophic Lateral Sclerosis. Identifiers: Orphanet 275872, MedGen C5779877, MONDO:0007105, OMIM 105550.

Submission:

Labcorp Genetics (formerly Invitae), Labcorp
Classification: Uncertain significance for Paget disease of bone 2, early-onset; Frontotemporal dementia and/or amyotrophic lateral sclerosis 1. Last evaluated: 2022-10-05. Review status: criteria provided, single submitter. Criteria: Invitae Variant Classification Sherloc (09022015). Collection method: clinical testing. Allele origin: germline.
Comment: This sequence change replaces threonine, which is neutral and polar, with serine, which is neutral and polar, at codon 269 of the SQSTM1 protein (p.Thr269Ser). This variant is not present in population databases (gnomAD no frequency). This variant has not been reported in the literature in individuals affected with SQSTM1-related conditions. ClinVar contains an entry for this variant (Variation ID: 1349407). Advanced modeling of protein sequence and biophysical properties (such as structural, functional, and spatial information, amino acid conservation, physicochemical variation, residue mobility, and thermodynamic stability) performed at Invitae indicates that this missense variant is not expected to disrupt SQSTM1 protein function. In summary, the available evidence is currently insufficient to determine the role of this variant in disease. Therefore, it has been classified as a Variant of Uncertain Significance.